The following is an entry in ClinVar:

NM_001451.3(FOXF1):c.342G>A (p.Gly114=)

Gene: FOXF1 (forkhead box F1; plus strand). Cytogenetic location: 16q24.1.
Variant type: single nucleotide variant.
Coding change: c.342G>A on transcript NM_001451.3 (MANE Select); coding-DNA position 342, G replaced by A.
Protein change: p.Gly114=; no amino-acid change (glycine 114 retained).
Molecular consequence: synonymous variant.
Genome position (GRCh38, 1-based): chr16:86,510,911, G>A. VCF-style: chr16-86510911-G-A. GRCh37 (hg19) VCF-style: chr16-86544517-G-A.
Identifiers: ClinVar variation 4872838 (VCV004872838.2).
Genomic context (GRCh38, chr16:86,510,911, plus strand): 5'-CTCCGTGCGCCACAACCTCTCGCTCAACGAGTGCTTCATCAAGCTACCCAAGGGCCTTGG[G>A]CGGCCCGGCAAGGGCCACTACTGGACCATCGACCCGGCCAGCGAGTTCATGTTCGAGGAG-3'
Protein context (NP_001442.2, residues 104-124): ECFIKLPKGL[Gly114=]RPGKGHYWTI

ClinVar aggregate classification (germline): Likely benign (1 of 4 stars; one submission).

gnomAD v4.1: 4 of 1,613,730 alleles (0.00025%); highest among the groups gnomAD compares: Admixed American, 0.0067%; no homozygotes.

Submission:

CeGaT Center for Human Genetics Tuebingen
Classification: Likely benign. Last evaluated: 2026-04-01. Review status: criteria provided, single submitter. Criteria: CeGaT Center For Human Genetics Tuebingen Variant Classification Criteria Version 2. Collection method: clinical testing. Allele origin: germline. Affected: yes. Observed: 1 variant allele.
Comment: FOXF1: BP4, BP7